The following is an entry in ClinVar:

NM_000038.6(APC):c.3330A>C (p.Ser1110=)

Gene: APC (APC regulator of Wnt signaling pathway; plus strand). Cytogenetic location: 5q22.2.
Variant type: single nucleotide variant.
Coding change: c.3330A>C on transcript NM_000038.6 (MANE Select); coding-DNA position 3330, A replaced by C.
Protein change: p.Ser1110=; no amino-acid change (serine 1110 retained).
Molecular consequence: synonymous variant. On other transcripts: non-coding transcript variant (2).
Genome position (GRCh38, 1-based): chr5:112,838,924, A>C. VCF-style: chr5-112838924-A-C. GRCh37 (hg19) VCF-style: chr5-112174621-A-C.
Other names: c.3330A>C, p.Ser1110= (NM_001407450.1, NM_001127510.3, NM_001354895.2); c.3309A>C, p.Ser1103= (NM_001407451.1); c.3300A>C, p.Ser1100= (NM_001407452.1); c.3081A>C, p.Ser1027= (NM_001407456.1, NM_001407457.1, NM_001407454.1 and 1 more transcripts); c.3027A>C, p.Ser1009= (NM_001407458.1, NM_001354903.2, NM_001407459.1 and 1 more transcripts); c.3153A>C, p.Ser1051= (NM_001407453.1, NM_001354901.2); c.3276A>C, p.Ser1092= (NM_001127511.3); c.3384A>C, p.Ser1128= (NM_001354896.2, NM_001407447.1, NM_001407448.1 and 1 more transcripts); and 11 more.
Identifiers: ClinVar variation 2452702 (VCV002452702.3), dbSNP rs2149889692, ClinGen allele CA445963627.
Genomic context (GRCh38, chr5:112,838,924, plus strand): 5'-ACCACATTTTGGACAGCAGGAATGTGTTTCTCCATACAGGTCACGGGGAGCCAATGGTTC[A>C]GAAACAAATCGAGTGGGTTCTAATCATGGAATTAATCAAAATGTAAGCCAGTCTTTGTGT-3'
Protein context (NP_000029.2, residues 1100-1120): SPYRSRGANG[Ser1110=]ETNRVGSNHG

ClinVar aggregate classification (germline): Benign/Likely benign. Review status: criteria provided, multiple submitters, no conflicts (2 of 4 stars). 3 submissions from 3 submitters: Benign (1); Likely benign (2). Last evaluated 2025-02-15.

Conditions:
Familial adenomatous polyposis 1 (FAP1). Also called: POLYPOSIS, ADENOMATOUS INTESTINAL; FAMILIAL ADENOMATOUS POLYPOSIS 1, ATTENUATED. Identifiers: MedGen C2713442, MONDO:0021056, OMIM 175100. Disease mechanism: loss of function.
Hereditary cancer-predisposing syndrome. Also called: Neoplastic Syndromes, Hereditary; Tumor predisposition; Hereditary neoplastic syndrome; Hereditary Cancer Syndrome. Identifiers: Orphanet 140162, MedGen C0027672, MeSH D009386, MONDO:0015356.

Submissions (3):

Labcorp Genetics (formerly Invitae), Labcorp
Classification: Likely benign for Familial adenomatous polyposis 1. Last evaluated: 2025-02-15. Review status: criteria provided, single submitter. Criteria: Invitae Variant Classification Sherloc (09022015). Collection method: clinical testing. Allele origin: germline.

Myriad Genetics, Inc.
Classification: Benign for Familial adenomatous polyposis 1. Last evaluated: 2024-03-18. Review status: criteria provided, single submitter. Criteria: Myriad Autosomal Dominant, Autosomal Recessive and X-Linked Classification Criteria (2023). Collection method: clinical testing. Allele origin: unknown.
Comment: This variant is considered benign. This variant is a silent/synonymous amino acid change and it is not expected to impact splicing.

Ambry Genetics
Classification: Likely benign for Hereditary cancer-predisposing syndrome. Last evaluated: 2022-12-22. Review status: criteria provided, single submitter. Criteria: Ambry Variant Classification Scheme 2023. Collection method: clinical testing. Allele origin: germline.